The following is an entry in ClinVar:

NM_003079.5(SMARCE1):c.889C>T (p.Arg297Cys)

Gene: SMARCE1 (SWI/SNF related BAF chromatin remodeling complex subunit E1; minus strand). Cytogenetic location: 17q21.2.
Variant type: single nucleotide variant.
Coding change: c.889C>T on transcript NM_003079.5 (MANE Select); coding-DNA position 889, C replaced by T.
Protein change: p.Arg297Cys; replaces arginine 297 with cysteine.
Molecular consequence: missense variant.
Genome position (GRCh38, 1-based): chr17:40,630,852, G>A on the plus strand (C>T on the coding strand, the complement: SMARCE1 is on the minus strand). VCF-style: chr17-40630852-G-A. GRCh37 (hg19) VCF-style: chr17-38787104-G-A.
Other names: short protein forms R297C.
Identifiers: ClinVar variation 652983 (VCV000652983.14), dbSNP rs562702157, ClinGen allele CA8545144.

ClinVar aggregate classification (germline): Conflicting classifications of pathogenicity. Review status: criteria provided, conflicting classifications (1 of 4 stars). 3 submissions from 3 submitters: Uncertain significance (2); Likely benign (1). Last evaluated 2025-10-23.

Conditions:
Hereditary cancer-predisposing syndrome. Also called: Neoplastic Syndromes, Hereditary; Tumor predisposition; Hereditary Cancer Syndrome; Hereditary neoplastic syndrome. Identifiers: Orphanet 140162, MedGen C0027672, MeSH D009386, MONDO:0015356.
Familial meningioma. Also called: Meningioma, familial, susceptibility to. Identifiers: Orphanet 263662, MedGen C3551915, MONDO:0011789, OMIM 607174.

Allele frequency attached by ClinVar (database versions not stated): ExAC 0.00001; gnomAD 0.00001; TOPMed 0.00006; 1000 Genomes Project 0.00020; 1000 Genomes Project 30x 0.00031.
gnomAD v4.1: 6 of 1,613,782 alleles (0.00037%); highest among the groups gnomAD compares: South Asian, 0.0022%; no homozygotes.

Submissions (3):

Labcorp Genetics (formerly Invitae), Labcorp
Classification: Uncertain significance for Familial meningioma. Last evaluated: 2025-10-23. Review status: criteria provided, single submitter. Criteria: Invitae Variant Classification Sherloc (09022015). Collection method: clinical testing. Allele origin: germline.
Comment: This sequence change replaces arginine, which is basic and polar, with cysteine, which is neutral and slightly polar, at codon 297 of the SMARCE1 protein (p.Arg297Cys). This variant is present in population databases (rs562702157, gnomAD 0.007%). This variant has not been reported in the literature in individuals affected with SMARCE1-related conditions. ClinVar contains an entry for this variant (Variation ID: 652983). Invitae Evidence Modeling of protein sequence and biophysical properties (such as structural, functional, and spatial information, amino acid conservation, physicochemical variation, residue mobility, and thermodynamic stability) indicates that this missense variant is expected to disrupt SMARCE1 protein function with a positive predictive value of 80%. In summary, the available evidence is currently insufficient to determine the role of this variant in disease. Therefore, it has been classified as a Variant of Uncertain Significance.

Baylor Genetics
Classification: Uncertain significance for Familial meningioma. Last evaluated: 2023-06-13. Review status: criteria provided, single submitter. Criteria: ACMG Guidelines, 2015. Collection method: clinical testing. Allele origin: unknown.

Ambry Genetics
Classification: Likely benign for Hereditary cancer-predisposing syndrome. Last evaluated: 2023-03-31. Review status: criteria provided, single submitter. Criteria: Ambry Variant Classification Scheme 2023. Collection method: clinical testing. Allele origin: germline.